The following is an entry in ClinVar:

ClinVar aggregate classification (germline): Uncertain significance (1 of 4 stars; one submission).

Allele frequency attached by ClinVar (database versions not stated): gnomAD exomes 0.00001; ExAC 0.00002.

Submission:

Labcorp Genetics (formerly Invitae), Labcorp
Classification: Uncertain significance. Last evaluated: 2023-03-10. Review status: criteria provided, single submitter. Criteria: Invitae Variant Classification Sherloc (09022015). Collection method: clinical testing. Allele origin: germline.
Comment: This sequence change replaces alanine, which is neutral and non-polar, with glutamic acid, which is acidic and polar, at codon 222 of the GNAT1 protein (p.Ala222Glu). This variant is present in population databases (rs766815295, gnomAD 0.01%). This variant has not been reported in the literature in individuals affected with GNAT1-related conditions. Advanced modeling of protein sequence and biophysical properties (such as structural, functional, and spatial information, amino acid conservation, physicochemical variation, residue mobility, and thermodynamic stability) has been performed at Invitae for this missense variant, however the output from this modeling did not meet the statistical confidence thresholds required to predict the impact of this variant on GNAT1 protein function. In summary, the available evidence is currently insufficient to determine the role of this variant in disease. Therefore, it has been classified as a Variant of Uncertain Significance.

NM_144499.3(GNAT1):c.665C>A (p.Ala222Glu)

Gene: GNAT1 (G protein subunit alpha transducin 1; plus strand). Cytogenetic location: 3p21.31.
Variant type: single nucleotide variant.
Coding change: c.665C>A on transcript NM_144499.3 (MANE Select); coding-DNA position 665, C replaced by A.
Protein change: p.Ala222Glu; replaces alanine 222 with glutamic acid.
Molecular consequence: missense variant.
Genome position (GRCh38, 1-based): chr3:50,194,178, C>A. VCF-style: chr3-50194178-C-A. GRCh37 (hg19) VCF-style: chr3-50231611-C-A.
Other names: c.665C>A, p.Ala222Glu (NM_000172.4); short protein forms A222E.
Identifiers: ClinVar variation 3006757 (VCV003006757.3), dbSNP rs766815295, ClinGen allele CA2412668.